The following is an entry in ClinVar:

ClinVar aggregate classification (germline): Pathogenic (1 of 4 stars; one submission).

Submission:

ISCA site 14
Classification: Pathogenic. Last evaluated: 2011-08-12. Review status: criteria provided, single submitter. Criteria: Kaminsky et al. (Genet Med. 2011). Collection method: clinical testing. Allele origin: de novo. Affected: yes. Observed: 1 variant allele.
Comment: Copy number variation identified through the course of routine clinical cytogenomic testing in postnatal populations. Clinical assertions have been curated as described in Kaminsky et al. 2011.

GRCh38/hg38 12q24.31(chr12:121325874-122505529)x1

Genes: LRRC43 (leucine rich repeat containing 43; plus strand), MIR7107 (microRNA 7107; minus strand), MLXIP (MLX interacting protein; plus strand), MORN3 (MORN repeat containing 3; minus strand), ORAI1 (ORAI calcium release-activated calcium modulator 1; plus strand) and 125 more. Cytogenetic location: 12q24.31.
Variant type: copy number loss.
Change: copy number 1 (one copy instead of two) of chr12:121,325,874-122,505,529 (1.18 Mb, GRCh38 coordinates, 1-based), cytogenetic band 12q24.31.
Identifiers: ClinVar variation 57610 (VCV000057610.1).